The following is an entry in ClinVar:

NM_001792.5(CDH2):c.468G>T (p.Arg156Ser)

Gene: CDH2 (cadherin 2; minus strand). Cytogenetic location: 18q12.1.
Variant type: single nucleotide variant.
Coding change: c.468G>T on transcript NM_001792.5 (MANE Select); coding-DNA position 468, G replaced by T.
Protein change: p.Arg156Ser; replaces arginine 156 with serine.
Molecular consequence: missense variant.
Genome position (GRCh38, 1-based): chr18:28,011,924, C>A on the plus strand (G>T on the coding strand, the complement: CDH2 is on the minus strand). VCF-style: chr18-28011924-C-A. GRCh37 (hg19) VCF-style: chr18-25591888-C-A.
Other names: c.375G>T, p.Arg125Ser (NM_001308176.2); short protein forms R125S, R156S.
Identifiers: ClinVar variation 1317410 (VCV001317410.2), dbSNP rs2144034284, ClinGen allele CA402243912.

ClinVar aggregate classification (germline): Uncertain significance (1 of 4 stars; one submission).

Submission:

GeneDx
Classification: Uncertain significance. Last evaluated: 2019-04-26. Review status: criteria provided, single submitter. Criteria: GeneDx Variant Classification Process June 2021. Collection method: clinical testing. Allele origin: germline. Affected: yes.
Comment: Not observed in large population cohorts (Lek et al., 2016); In silico analysis, which includes protein predictors and evolutionary conservation, supports a deleterious effect; Has not been previously published as pathogenic or benign to our knowledge; Variants in candidate genes are classified as variants of uncertain significance in accordance with ACMG guidelines (Richards et al., 2015)